The following is an entry in ClinVar:

NC_012920.1(MT-CYB):m.15289T>C

Gene: MT-CYB (mitochondrially encoded cytochrome b; plus strand).
Variant type: single nucleotide variant.
Genome position: chrM-15289-T-C.
Identifiers: ClinVar variation 143878 (VCV000143878.4), dbSNP rs527236175, ClinGen allele CA270609.

ClinVar aggregate classification (germline): Likely benign. Review status: criteria provided, single submitter (1 of 4 stars). 2 submissions from 2 submitters: Likely benign (1). 1 of the submissions does not count toward it. Last evaluated 2023-08-29.

Conditions:
Familial cancer of breast. Also called: BREAST CANCER, FAMILIAL; Hereditary breast cancer; hereditary breast carcinoma. Identifiers: Orphanet 227535, MedGen C0346153, MONDO:0016419, OMIM 114480. Disease mechanism: loss of function.

Submissions (2):

Ophthalmic Genetics Group, Institute of Molecular and Clinical Ophthalmology Basel
Classification: Likely benign for Familial cancer of breast. Last evaluated: 2023-08-29. Review status: criteria provided, single submitter. Criteria: ACMG Guidelines, 2015. Collection method: curation. Allele origin: unknown.
Comment: Clinical significance based on ACMG v2.0

This variant was classified as Likely benign based on ACMG criteria: BS1 and BP7.

Department of Zoology Govt. MVM College
Classification: Likely pathogenic for Familial cancer of breast. Review status: no assertion criteria provided. Collection method: not provided. Allele origin: unknown. Not counted in ClinVar's aggregate classification.
Comment: KM270508
ClinVar note: Converted during submission from probable-pathogenic to Likely pathogenic.